The following is an entry in ClinVar:

ClinVar aggregate classification (germline): Conflicting classifications of pathogenicity. Review status: criteria provided, conflicting classifications (1 of 4 stars). 3 submissions from 3 submitters: Likely pathogenic (2); Uncertain significance (1). Last evaluated 2025-07-18.

Conditions:
Hereditary cancer-predisposing syndrome. Also called: Hereditary neoplastic syndrome; Tumor predisposition; Neoplastic Syndromes, Hereditary; Hereditary Cancer Syndrome. Identifiers: Orphanet 140162, MedGen C0027672, MeSH D009386, MONDO:0015356.

Submissions (3):

Labcorp Genetics (formerly Invitae), Labcorp
Classification: Likely pathogenic. Last evaluated: 2025-07-18. Review status: criteria provided, single submitter. Criteria: Invitae Variant Classification Sherloc (09022015). Collection method: clinical testing. Allele origin: germline.
Comment: This sequence change affects a donor splice site in intron 10 of the POLE gene. RNA analysis indicates that disruption of this splice site induces altered splicing and may result in an absent or altered protein product. This variant is not present in population databases (gnomAD no frequency). This variant has not been reported in the literature in individuals affected with POLE-related conditions. ClinVar contains an entry for this variant (Variation ID: 420859). Studies have shown that disruption of this splice site results in activation of a cryptic splice site, and produces a non-functional protein and/or introduces a premature termination codon (internal data). In summary, the currently available evidence indicates that the variant is pathogenic, but additional data are needed to prove that conclusively. Therefore, this variant has been classified as Likely Pathogenic.

Ambry Genetics
Classification: Uncertain significance for Hereditary cancer-predisposing syndrome. Last evaluated: 2025-07-03. Review status: criteria provided, single submitter. Criteria: Ambry Variant Classification Scheme 2023. Collection method: clinical testing. Allele origin: germline.
Comment: The c.1020+1G>T intronic variant results from a G to T substitution one nucleotide after coding exon 10 of the POLE gene. Alterations that disrupt the canonical splice site are expected to cause aberrant splicing, resulting in an abnormal protein or a transcript that is subject to nonsense-mediated mRNA decay. In silico splice site analysis predicts that this alteration will weaken the native splice donor site and may result in the creation or strengthening of a novel splice donor site. RNA studies have demonstrated that this alteration results in abnormal splicing in the set of samples tested (Ambry internal data). This nucleotide position is highly conserved in available vertebrate species. Although biallelic loss of function of POLE has been associated with autosomal recessive POLE deficiency, haploinsufficiency of POLE has not been established as a mechanism of disease for POLE-related polymerase proofreading-associated polyposis (PPAP) and POLE-related CMMRD-like syndrome. Based on the supporting evidence, this variant is expected to be causative of POLE deficiency when present along with a second pathogenic variant on the other allele; however, its clinical significance for PPAP and POLE-related CMMRD-like syndrome is unclear.

GeneDx
Classification: Likely pathogenic. Last evaluated: 2024-09-12. Review status: criteria provided, single submitter. Criteria: GeneDx Variant Classification Process June 2021. Collection method: clinical testing. Allele origin: germline. Affected: yes.
Comment: Canonical splice site variant predicted to result in an in-frame loss of the adjacent exon in a gene for which loss of function is a known mechanism of disease; Not observed at significant frequency in large population cohorts (gnomAD); Has not been previously published as pathogenic or benign to our knowledge; This variant is associated with the following publications: (PMID: 20951805)

NM_006231.4(POLE):c.1020+1G>T

Gene: POLE (DNA polymerase epsilon, catalytic subunit; minus strand). Cytogenetic location: 12q24.33.
Variant type: single nucleotide variant.
Coding change: c.1020+1G>T on transcript NM_006231.4 (MANE Select); the canonical splice donor site of the intron after coding-DNA position 1020, G replaced by T.
Molecular consequence: splice donor variant.
Genome position (GRCh38, 1-based): chr12:132,676,093, C>A on the plus strand (G>T on the coding strand, the complement: POLE is on the minus strand). VCF-style: chr12-132676093-C-A. GRCh37 (hg19) VCF-style: chr12-133252679-C-A.
Identifiers: ClinVar variation 420859 (VCV000420859.19), dbSNP rs1064794748, ClinGen allele CA16619481.
Genomic context (GRCh38, chr12:132,676,093, plus strand): 5'-AAGATCCACATGTCCGTTCTTCCCACAATACCGGGTAGTTTCCCAAGTGATACCTCCTTA[C>A]CTCATCGGGTTCATTGAAGACACAAAAGGGGCCTTCATATTCTGGCTTGGGGGTGAACTC-3'